The following is an entry in ClinVar:

ClinVar aggregate classification (germline): Uncertain significance (1 of 4 stars; one submission).

Submission:

Labcorp Genetics (formerly Invitae), Labcorp
Classification: Uncertain significance. Last evaluated: 2024-11-18. Review status: criteria provided, single submitter. Criteria: Invitae Variant Classification Sherloc (09022015). Collection method: clinical testing. Allele origin: germline.
Comment: This sequence change replaces aspartic acid, which is acidic and polar, with glycine, which is neutral and non-polar, at codon 145 of the CLCC1 protein (p.Asp145Gly). This variant is not present in population databases (gnomAD no frequency). This variant has not been reported in the literature in individuals affected with CLCC1-related conditions. ClinVar contains an entry for this variant (Variation ID: 1516704). An algorithm developed to predict the effect of missense changes on protein structure and function (PolyPhen-2) suggests that this variant is likely to be disruptive. In summary, the available evidence is currently insufficient to determine the role of this variant in disease. Therefore, it has been classified as a Variant of Uncertain Significance.

NM_001377458.1(CLCC1):c.434A>G (p.Asp145Gly)

Gene: CLCC1 (chloride channel CLIC like 1; minus strand). Cytogenetic location: 1p13.3.
Variant type: single nucleotide variant.
Coding change: c.434A>G on transcript NM_001377458.1 (MANE Select); coding-DNA position 434, A replaced by G.
Protein change: p.Asp145Gly; replaces aspartic acid 145 with glycine.
Molecular consequence: missense variant. On other transcripts: non-coding transcript variant (1), intron variant (3).
Genome position (GRCh38, 1-based): chr1:108,943,963, T>C on the plus strand (A>G on the coding strand, the complement: CLCC1 is on the minus strand). VCF-style: chr1-108943963-T-C. GRCh37 (hg19) VCF-style: chr1-109486585-T-C.
Other names: c.434A>G, p.Asp145Gly (NM_001048210.3, NM_001377468.1, NM_001377459.1 and 8 more transcripts); c.332A>G, p.Asp111Gly (NM_001377469.1); c.143A>G, p.Asp48Gly (NM_001377470.1); c.340-56A>G (NM_015127.5); c.340-2465A>G (NM_001278202.2); c.339+3648A>G (NM_001278203.1); short protein forms D111G, D145G, D48G.
Identifiers: ClinVar variation 1516704 (VCV001516704.6), dbSNP rs2101655978, ClinGen allele CA341464244.